The following is an entry in ClinVar:

NM_001122636.2(GALNT9):c.1144A>T (p.Arg382Trp)

Gene: GALNT9 (polypeptide N-acetylgalactosaminyltransferase 9; minus strand). Cytogenetic location: 12q24.33.
Variant type: single nucleotide variant.
Coding change: c.1144A>T on transcript NM_001122636.2 (MANE Select); coding-DNA position 1144, A replaced by T.
Protein change: p.Arg382Trp; replaces arginine 382 with tryptophan.
Molecular consequence: missense variant.
Genome position (GRCh38, 1-based): chr12:132,203,624, T>A on the plus strand (A>T on the coding strand, the complement: GALNT9 is on the minus strand). VCF-style: chr12-132203624-T-A. GRCh37 (hg19) VCF-style: chr12-132688169-T-A.
Other names: c.46A>T, p.Arg16Trp (NM_021808.3); short protein forms R16W, R382W.
Identifiers: ClinVar variation 2643635 (VCV002643635.24), dbSNP rs202111630, ClinGen allele CA6890171.

ClinVar aggregate classification (germline): Likely benign (1 of 4 stars; one submission).

Allele frequency attached by ClinVar (database versions not stated): ESP Exome Variant Server 0.00062; TOPMed 0.00062; gnomAD exomes 0.00067; gnomAD 0.00078; ExAC 0.00098.
gnomAD v4.1: 1,100 of 1,613,902 alleles (0.068%); highest among the groups gnomAD compares: Non-Finnish European, 0.076%; 1 homozygote.

Submission:

CeGaT Center for Human Genetics Tuebingen
Classification: Likely benign. Last evaluated: 2022-07-01. Review status: criteria provided, single submitter. Criteria: CeGaT Center For Human Genetics Tuebingen Variant Classification Criteria Version 2. Collection method: clinical testing. Allele origin: germline. Affected: yes. Observed: 1 variant allele.
Comment: GALNT9: BP4